The following is an entry in ClinVar:

NM_016507.4(CDK12):c.172C>G (p.Pro58Ala)

Genes: CDK12 (cyclin dependent kinase 12; plus strand), LOC126862553 (CDK7 strongly-dependent group 2 enhancer GRCh37_chr17:37618166-37619365; plus strand). Cytogenetic location: 17q12.
Variant type: single nucleotide variant.
Coding change: c.172C>G on transcript NM_016507.4 (MANE Select); coding-DNA position 172, C replaced by G.
Protein change: p.Pro58Ala; replaces proline 58 with alanine.
Molecular consequence: missense variant.
Genome position (GRCh38, 1-based): chr17:39,462,243, C>G. VCF-style: chr17-39462243-C-G. GRCh37 (hg19) VCF-style: chr17-37618496-C-G.
Other names: c.172C>G, p.Pro58Ala (NM_015083.4); short protein forms P58A.
Identifiers: ClinVar variation 4224326 (VCV004224326.1).

ClinVar aggregate classification (germline): Uncertain significance (1 of 4 stars; one submission).

Submission:

Ambry Genetics
Classification: Uncertain significance. Last evaluated: 2025-08-01. Review status: criteria provided, single submitter. Criteria: Ambry Variant Classification Scheme 2023. Collection method: clinical testing. Allele origin: germline.
Comment: The p.P58A variant (also known as c.172C>G), located in coding exon 1 of the CDK12 gene, results from a C to G substitution at nucleotide position 172. The proline at codon 58 is replaced by alanine, an amino acid with highly similar properties. This amino acid position is conserved. In addition, this alteration is predicted to be tolerated by in silico analysis. Based on the available evidence, the clinical significance of this variant remains unclear.